The following is an entry in ClinVar:

ClinVar aggregate classification (germline): Likely benign. Review status: criteria provided, multiple submitters, no conflicts (2 of 4 stars). 2 submissions from 2 submitters: Likely benign (2). Last evaluated 2025-11-11.

Conditions:
Neurofibromatosis, type 1 (NF1). Also called: VON RECKLINGHAUSEN DISEASE; Peripheral type neurofibromatosis; NEUROFIBROMATOSIS, TYPE I, SOMATIC; Neurofibromatosis, type I. Identifiers: Orphanet 636, MedGen C0027831, MONDO:0018975, OMIM 162200. Disease mechanism: loss of function.

Submissions (2):

Labcorp Genetics (formerly Invitae), Labcorp
Classification: Likely benign for Neurofibromatosis, type 1. Last evaluated: 2025-11-11. Review status: criteria provided, single submitter. Criteria: Invitae Variant Classification Sherloc (09022015). Collection method: clinical testing. Allele origin: germline.

CeGaT Center for Human Genetics Tuebingen
Classification: Likely benign. Last evaluated: 2025-08-01. Review status: criteria provided, single submitter. Criteria: CeGaT Center For Human Genetics Tuebingen Variant Classification Criteria Version 2. Collection method: clinical testing. Allele origin: germline. Affected: yes. Observed: 1 variant allele.
Comment: NF1: PM2:Supporting, BP4, BP7

NM_001042492.3(NF1):c.1761T>C (p.Ser587=)

Gene: NF1 (neurofibromin 1; plus strand). Cytogenetic location: 17q11.2.
Variant type: single nucleotide variant.
Coding change: c.1761T>C on transcript NM_001042492.3 (MANE Select); coding-DNA position 1761, T replaced by C.
Protein change: p.Ser587=; no amino-acid change (serine 587 retained).
Molecular consequence: synonymous variant.
Genome position (GRCh38, 1-based): chr17:31,223,483, T>C. VCF-style: chr17-31223483-T-C. GRCh37 (hg19) VCF-style: chr17-29550501-T-C.
Other names: c.1761T>C, p.Ser587= (NM_000267.4).
Identifiers: ClinVar variation 2802871 (VCV002802871.11), dbSNP rs2144016176, ClinGen allele CA499229764.
Genomic context (GRCh38, chr17:31,223,483, plus strand): 5'-ATGAACTTTATGTTACTGCAGCTCACAAATGCTTTTTTACATCTGCAAGAAATTAACTAG[T>C]CATCAAATGCTTAGTAGCACAGAAATTCTCAAGTGGTTGCGGGAAATATTGATCTGCAGG-3'
Protein context (NP_001035957.1, residues 577-597): MLFYICKKLT[Ser587=]HQMLSSTEIL